The following is an entry in ClinVar:

NM_004615.4(TSPAN7):c.473A>G (p.Asn158Ser)

Gene: TSPAN7 (tetraspanin 7; plus strand). Cytogenetic location: Xp11.4.
Variant type: single nucleotide variant.
Coding change: c.473A>G on transcript NM_004615.4 (MANE Select); coding-DNA position 473, A replaced by G.
Protein change: p.Asn158Ser; replaces asparagine 158 with serine.
Molecular consequence: missense variant.
Genome position (GRCh38, 1-based): chrX:38,675,736, A>G. VCF-style: chrX-38675736-A-G. GRCh37 (hg19) VCF-style: chrX-38534990-A-G.
Other names: short protein forms N158S.
Identifiers: ClinVar variation 2637721 (VCV002637721.1), dbSNP rs2518967076, ClinGen allele CA412982115.

ClinVar aggregate classification (germline): Uncertain significance (1 of 4 stars; one submission).

Submission:

Women's Health and Genetics/Laboratory Corporation of America, LabCorp
Classification: Uncertain significance. Last evaluated: 2023-10-13. Review status: criteria provided, single submitter. Criteria: LabCorp Variant Classification Summary - May 2015. Collection method: clinical testing. Allele origin: germline.
Comment: Variant summary: TSPAN7 c.473A>G (p.Asn158Ser) results in a conservative amino acid change located in the Tetraspanin-6/7, EC2 domain (IPR048232) of the encoded protein sequence. Four of five in-silico tools predict a benign effect of the variant on protein function. The variant was absent in 182992 control chromosomes (gnomAD). The available data on variant occurrences in the general population are insufficient to allow any conclusion about variant significance. To our knowledge, no occurrence of c.473A>G in individuals affected with Intellectual Disability, X-Linked 58 and no experimental evidence demonstrating its impact on protein function have been reported. No submitters have cited clinical-significance assessments for this variant to ClinVar after 2014. Based on the evidence outlined above, the variant was classified as uncertain significance.